The following is an entry in ClinVar:

NM_017755.6(NSUN2):c.1873G>C (p.Glu625Gln)

Gene: NSUN2 (NOP2/Sun RNA methyltransferase 2; minus strand). Cytogenetic location: 5p15.31.
Variant type: single nucleotide variant.
Coding change: c.1873G>C on transcript NM_017755.6 (MANE Select); coding-DNA position 1873, G replaced by C.
Protein change: p.Glu625Gln; replaces glutamic acid 625 with glutamine.
Molecular consequence: missense variant. On other transcripts: non-coding transcript variant (1).
Genome position (GRCh38, 1-based): chr5:6,604,222, C>G on the plus strand (G>C on the coding strand, the complement: NSUN2 is on the minus strand). VCF-style: chr5-6604222-C-G. GRCh37 (hg19) VCF-style: chr5-6604335-C-G.
Other names: c.1768G>C, p.Glu590Gln (NM_001193455.2); short protein forms E590Q, E625Q.
Identifiers: ClinVar variation 2500675 (VCV002500675.6), dbSNP rs758271118, ClinGen allele CA3192279.

ClinVar aggregate classification (germline): Uncertain significance. Review status: criteria provided, multiple submitters, no conflicts (2 of 4 stars). 3 submissions from 3 submitters: Uncertain significance (3). Last evaluated 2023-05-24.

Conditions:
Inborn genetic diseases. Identifiers: MedGen C0950123, MeSH D030342.

Allele frequency attached by ClinVar (database versions not stated): ExAC 0.00001; gnomAD exomes 0.00001; gnomAD 0.00003.
gnomAD v4.1: 14 of 1,606,730 alleles (0.00087%); highest among the groups gnomAD compares: African/African-American, 0.0013%; no homozygotes.

Submissions (3):

Labcorp Genetics (formerly Invitae), Labcorp
Classification: Uncertain significance. Last evaluated: 2023-05-24. Review status: criteria provided, single submitter. Criteria: Invitae Variant Classification Sherloc (09022015). Collection method: clinical testing. Allele origin: germline.
Comment: In summary, the available evidence is currently insufficient to determine the role of this variant in disease. Therefore, it has been classified as a Variant of Uncertain Significance. Advanced modeling of protein sequence and biophysical properties (such as structural, functional, and spatial information, amino acid conservation, physicochemical variation, residue mobility, and thermodynamic stability) performed at Invitae indicates that this missense variant is not expected to disrupt NSUN2 protein function. ClinVar contains an entry for this variant (Variation ID: 2500675). This variant has not been reported in the literature in individuals affected with NSUN2-related conditions. This variant is present in population databases (rs758271118, gnomAD 0.007%). This sequence change replaces glutamic acid, which is acidic and polar, with glutamine, which is neutral and polar, at codon 625 of the NSUN2 protein (p.Glu625Gln).

Ambry Genetics
Classification: Uncertain significance for Inborn genetic diseases. Last evaluated: 2023-05-23. Review status: criteria provided, single submitter. Criteria: Ambry Variant Classification Scheme 2023. Collection method: clinical testing. Allele origin: germline.

GeneDx
Classification: Uncertain significance. Last evaluated: 2023-04-25. Review status: criteria provided, single submitter. Criteria: GeneDx Variant Classification Process June 2021. Collection method: clinical testing. Allele origin: germline. Affected: yes.
Comment: In silico analysis supports that this missense variant does not alter protein structure/function; Has not been previously published as pathogenic or benign to our knowledge